The following is an entry in ClinVar:

ClinVar aggregate classification (germline): Uncertain significance. Review status: criteria provided, multiple submitters, no conflicts (2 of 4 stars). 5 submissions from 5 submitters: Uncertain significance (5). Last evaluated 2025-12-18.

Conditions:
Hereditary cancer-predisposing syndrome. Also called: Tumor predisposition; Hereditary neoplastic syndrome; Neoplastic Syndromes, Hereditary; Hereditary Cancer Syndrome. Identifiers: Orphanet 140162, MedGen C0027672, MeSH D009386, MONDO:0015356.
Familial cancer of breast. Also called: BREAST CANCER, FAMILIAL; hereditary breast carcinoma; Hereditary breast cancer. Identifiers: Orphanet 227535, MedGen C0346153, MONDO:0016419, OMIM 114480. Disease mechanism: loss of function.
Fanconi anemia complementation group J. Also called: BRIP1-Related Fanconi Anemia. Identifiers: Orphanet 84, MedGen C1836860, MONDO:0012187, OMIM 609054.

Submissions (5):

Ambry Genetics
Classification: Uncertain significance for Hereditary cancer-predisposing syndrome. Last evaluated: 2025-12-18. Review status: criteria provided, single submitter. Criteria: Ambry Variant Classification Scheme 2023. Collection method: clinical testing. Allele origin: germline.
Comment: The c.158_159delGCinsTT variant (also known as p.S53I), located in coding exon 2 of the BRIP1 gene, results from an in-frame deletion of GC and insertion of TT at nucleotide positions 158 to 159. This results in the substitution of the serine residue for an isoleucine residue at codon 53, an amino acid with dissimilar properties. This amino acid position is highly conserved in available vertebrate species. In addition, this alteration is predicted to be deleterious by in silico analysis. Based on the available evidence, the clinical significance of this variant remains unclear.

Labcorp Genetics (formerly Invitae), Labcorp
Classification: Uncertain significance for Familial cancer of breast; Fanconi anemia complementation group J. Last evaluated: 2025-07-08. Review status: criteria provided, single submitter. Criteria: Invitae Variant Classification Sherloc (09022015). Collection method: clinical testing. Allele origin: germline.
Comment: This sequence change replaces serine, which is neutral and polar, with isoleucine, which is neutral and non-polar, at codon 53 of the BRIP1 protein (p.Ser53Ile). This variant is present in population databases (rs786202417, gnomAD 0.002%). This variant has not been reported in the literature in individuals affected with BRIP1-related conditions. ClinVar contains an entry for this variant (Variation ID: 185741). An algorithm developed to predict the effect of missense changes on protein structure and function (PolyPhen-2) suggests that this variant is likely to be disruptive. In summary, the available evidence is currently insufficient to determine the role of this variant in disease. Therefore, it has been classified as a Variant of Uncertain Significance.

Color Diagnostics, LLC DBA Color Health
Classification: Uncertain significance for Hereditary cancer-predisposing syndrome. Last evaluated: 2023-12-04. Review status: criteria provided, single submitter. Criteria: ACMG Guidelines, 2015. Collection method: clinical testing. Allele origin: germline.
Comment: This missense variant replaces serine with isoleucine at codon 53 of the BRIP1 protein. To our knowledge, functional studies have not been reported for this variant. This variant has not been reported in individuals affected with BRIP1-related disorders in the literature. This variant has not been identified in the general population by the Genome Aggregation Database (gnomAD). The available evidence is insufficient to determine the role of this variant in disease conclusively. Therefore, this variant is classified as a Variant of Uncertain Significance.

Baylor Genetics
Classification: Uncertain significance for Familial cancer of breast. Last evaluated: 2023-08-08. Review status: criteria provided, single submitter. Criteria: ACMG Guidelines, 2015. Collection method: clinical testing. Allele origin: unknown.

GeneDx
Classification: Uncertain significance. Last evaluated: 2022-11-28. Review status: criteria provided, single submitter. Criteria: GeneDx Variant Classification Process June 2021. Collection method: clinical testing. Allele origin: germline. Affected: yes.
Comment: Not observed at significant frequency in large population cohorts (gnomAD); In silico analysis supports a deleterious effect on protein structure/function; Has not been previously published as pathogenic or benign to our knowledge

NM_032043.3(BRIP1):c.158_159delinsTT (p.Ser53Ile)

Gene: BRIP1 (BRCA1 interacting DNA helicase 1; minus strand). Cytogenetic location: 17q23.2.
Variant type: Indel.
Coding change: c.158_159delinsTT on transcript NM_032043.3 (MANE Select); coding-DNA positions 158 to 159, GC replaced by TT.
Protein change: p.Ser53Ile; replaces serine 53 with isoleucine.
Molecular consequence: missense variant.
Genome position (GRCh38, 1-based): chr17:61,859,842-61,859,843, GC replaced by AA on the plus strand (GC replaced by TT on the coding strand, the reverse complement: BRIP1 is on the minus strand). VCF-style: chr17-61859842-GC-AA. GRCh37 (hg19) VCF-style: chr17-59937203-GC-AA.
Other names: c.158_159delGCinsTT (NM_032043.2); short protein forms S53I.
Identifiers: ClinVar variation 185741 (VCV000185741.24), dbSNP rs786202417, ClinGen allele CA192802.